The following is an entry in ClinVar:

ClinVar aggregate classification (germline): Uncertain significance (1 of 4 stars; one submission).

Submission:

GeneDx
Classification: Uncertain significance. Last evaluated: 2024-09-20. Review status: criteria provided, single submitter. Criteria: GeneDx Variant Classification Process June 2021. Collection method: clinical testing. Allele origin: germline. Affected: yes.
Comment: Not observed at significant frequency in large population cohorts (gnomAD); In silico analysis indicates that this missense variant does not alter protein structure/function; Has not been previously published as pathogenic or benign to our knowledge

NM_006218.4(PIK3CA):c.3133G>A (p.Asp1045Asn)

Gene: PIK3CA (phosphatidylinositol-4,5-bisphosphate 3-kinase catalytic subunit alpha; plus strand). Cytogenetic location: 3q26.32.
Variant type: single nucleotide variant.
Coding change: c.3133G>A on transcript NM_006218.4 (MANE Select); coding-DNA position 3133, G replaced by A.
Protein change: p.Asp1045Asn; replaces aspartic acid 1045 with asparagine.
Molecular consequence: missense variant.
Genome position (GRCh38, 1-based): chr3:179,234,290, G>A. VCF-style: chr3-179234290-G-A. GRCh37 (hg19) VCF-style: chr3-178952078-G-A.
Other names: short protein forms D1045N.
Identifiers: ClinVar variation 3774060 (VCV003774060.1).
Genomic context (GRCh38, chr3:179,234,290, plus strand): 5'-ACCCTAGCCTTAGATAAAACTGAGCAAGAGGCTTTGGAGTATTTCATGAAACAAATGAAT[G>A]ATGCACATCATGGTGGCTGGACAACAAAAATGGATTGGATCTTCCACACAATTAAACAGC-3'
Protein context (NP_006209.2, residues 1035-1055): ALEYFMKQMN[Asp1045Asn]AHHGGWTTKM